The following is an entry in ClinVar:

ClinVar aggregate classification (germline): Uncertain significance. Review status: criteria provided, multiple submitters, no conflicts (2 of 4 stars). 2 submissions from 2 submitters: Uncertain significance (2). Last evaluated 2024-01-09.

Allele frequency attached by ClinVar (database versions not stated): ESP Exome Variant Server 0.00008; 1000 Genomes Project 30x 0.00016; 1000 Genomes Project 0.00020.
gnomAD v4.1: 64 of 1,612,216 alleles (0.004%); highest among the groups gnomAD compares: Middle Eastern, 0.016%; no homozygotes.

Submissions (2):

Blueprint Genetics
Classification: Uncertain significance. Last evaluated: 2024-01-09. Review status: criteria provided, single submitter. Criteria: ACMG Guidelines, 2015. Collection method: clinical testing. Allele origin: germline.

Labcorp Genetics (formerly Invitae), Labcorp
Classification: Uncertain significance. Last evaluated: 2022-08-16. Review status: criteria provided, single submitter. Criteria: Invitae Variant Classification Sherloc (09022015). Collection method: clinical testing. Allele origin: germline.
Comment: This sequence change replaces isoleucine, which is neutral and non-polar, with methionine, which is neutral and non-polar, at codon 2959 of the CDH23 protein (p.Ile2959Met). This variant is present in population databases (rs373709237, gnomAD 0.007%). This variant has not been reported in the literature in individuals affected with CDH23-related conditions. Algorithms developed to predict the effect of missense changes on protein structure and function are either unavailable or do not agree on the potential impact of this missense change (SIFT: "Deleterious"; PolyPhen-2: "Not Available"; Align-GVGD: "Class C0"). In summary, the available evidence is currently insufficient to determine the role of this variant in disease. Therefore, it has been classified as a Variant of Uncertain Significance.

NM_022124.6(CDH23):c.8877C>G (p.Ile2959Met)

Gene: CDH23 (cadherin related 23; plus strand). Cytogenetic location: 10q22.1.
Variant type: single nucleotide variant.
Coding change: c.8877C>G on transcript NM_022124.6 (MANE Select); coding-DNA position 8877, C replaced by G.
Protein change: p.Ile2959Met; replaces isoleucine 2959 with methionine.
Molecular consequence: missense variant.
Genome position (GRCh38, 1-based): chr10:71,809,974, C>G. VCF-style: chr10-71809974-C-G. GRCh37 (hg19) VCF-style: chr10-73569731-C-G.
Other names: c.2157C>G, p.Ile719Met (NM_001171933.1, NM_001171934.1); short protein forms I2959M, I719M.
Identifiers: ClinVar variation 2060077 (VCV002060077.2), dbSNP rs373709237, ClinGen allele CA5546777.